The following is an entry in ClinVar:

ClinVar aggregate classification (germline): Conflicting classifications of pathogenicity. Review status: criteria provided, conflicting classifications (1 of 4 stars). 2 submissions from 2 submitters: Uncertain significance (1); Likely benign (1). Last evaluated 2025-07-27.

Conditions:
Hereditary cancer-predisposing syndrome. Also called: Hereditary neoplastic syndrome; Neoplastic Syndromes, Hereditary; Tumor predisposition; Hereditary Cancer Syndrome. Identifiers: Orphanet 140162, MedGen C0027672, MeSH D009386, MONDO:0015356.
Rhabdoid tumor predisposition syndrome 2 (RTPS2). Identifiers: Orphanet 231108, Orphanet 69077, MedGen C2750074, MONDO:0013224, OMIM 613325.

Allele frequency attached by ClinVar (database versions not stated): TOPMed below 0.00001; gnomAD 0.00001; gnomAD exomes 0.00001; ExAC 0.00002.
gnomAD v4.1: 9 of 1,612,482 alleles (0.00056%); highest among the groups gnomAD compares: East Asian, 0.0022%; no homozygotes.

Submissions (2):

Labcorp Genetics (formerly Invitae), Labcorp
Classification: Uncertain significance for Rhabdoid tumor predisposition syndrome 2. Last evaluated: 2025-07-27. Review status: criteria provided, single submitter. Criteria: Invitae Variant Classification Sherloc (09022015). Collection method: clinical testing. Allele origin: germline.
Comment: This sequence change replaces aspartic acid, which is acidic and polar, with asparagine, which is neutral and polar, at codon 1450 of the SMARCA4 protein (p.Asp1450Asn). This variant is present in population databases (rs761083981, gnomAD 0.007%). This variant has not been reported in the literature in individuals affected with SMARCA4-related conditions. ClinVar contains an entry for this variant (Variation ID: 470395). Invitae Evidence Modeling of protein sequence and biophysical properties (such as structural, functional, and spatial information, amino acid conservation, physicochemical variation, residue mobility, and thermodynamic stability) has been performed for this missense variant. However, the output from this modeling did not meet the statistical confidence thresholds required to predict the impact of this variant on SMARCA4 protein function. In summary, the available evidence is currently insufficient to determine the role of this variant in disease. Therefore, it has been classified as a Variant of Uncertain Significance.

Ambry Genetics
Classification: Likely benign for Hereditary cancer-predisposing syndrome. Last evaluated: 2023-11-03. Review status: criteria provided, single submitter. Criteria: Ambry Variant Classification Scheme 2023. Collection method: clinical testing. Allele origin: germline.

NM_003072.5(SMARCA4):c.4252G>A (p.Asp1418Asn)

Gene: SMARCA4 (SWI/SNF related BAF chromatin remodeling complex subunit ATPase 4; plus strand). Cytogenetic location: 19p13.2.
Variant type: single nucleotide variant.
Coding change: c.4252G>A on transcript NM_003072.5 (MANE Select); coding-DNA position 4252, G replaced by A.
Protein change: p.Asp1418Asn; replaces aspartic acid 1418 with asparagine.
Molecular consequence: missense variant. On other transcripts: non-coding transcript variant (1).
Genome position (GRCh38, 1-based): chr19:11,041,388, G>A. VCF-style: chr19-11041388-G-A. GRCh37 (hg19) VCF-style: chr19-11152064-G-A.
Other names: c.4252G>A, p.Asp1418Asn (NM_001128844.3); c.4162G>A, p.Asp1388Asn (NM_001128845.2, NM_001128846.2); c.4153G>A, p.Asp1385Asn (NM_001128847.4, NM_001128848.2, NM_001374457.1); c.4348G>A, p.Asp1450Asn (NM_001128849.3, NM_001387283.1); short protein forms D1450N, D1418N, D1385N, D1388N.
Identifiers: ClinVar variation 470395 (VCV000470395.9), dbSNP rs761083981, ClinGen allele CA9204683.